The following is an entry in ClinVar:

ClinVar aggregate classification (germline): Uncertain significance (1 of 4 stars; one submission).

Allele frequency attached by ClinVar (database versions not stated): gnomAD exomes below 0.00001.
gnomAD v4.1: 1 of 1,614,166 alleles (0.000062%); highest among the groups gnomAD compares: Non-Finnish European, 0.000085%; no homozygotes.

Submission:

Labcorp Genetics (formerly Invitae), Labcorp
Classification: Uncertain significance. Last evaluated: 2021-02-23. Review status: criteria provided, single submitter. Criteria: Invitae Variant Classification Sherloc (09022015). Collection method: clinical testing. Allele origin: germline.
Comment: In summary, the available evidence is currently insufficient to determine the role of this variant in disease. Therefore, it has been classified as a Variant of Uncertain Significance. Algorithms developed to predict the effect of missense changes on protein structure and function (SIFT, PolyPhen-2, Align-GVGD) all suggest that this variant is likely to be tolerated, but these predictions have not been confirmed by published functional studies and their clinical significance is uncertain. This sequence change replaces threonine with isoleucine at codon 1144 of the PCARE protein (p.Thr1144Ile). The threonine residue is moderately conserved and there is a moderate physicochemical difference between threonine and isoleucine. This variant is not present in population databases (ExAC no frequency). This variant has not been reported in the literature in individuals with PCARE-related conditions.

NM_001029883.3(PCARE):c.3431C>T (p.Thr1144Ile)

Gene: PCARE (photoreceptor cilium actin regulator; minus strand). Cytogenetic location: 2p23.2.
Variant type: single nucleotide variant.
Coding change: c.3431C>T on transcript NM_001029883.3 (MANE Select); coding-DNA position 3431, C replaced by T.
Protein change: p.Thr1144Ile; replaces threonine 1144 with isoleucine.
Molecular consequence: missense variant.
Genome position (GRCh38, 1-based): chr2:29,070,831, G>A on the plus strand (C>T on the coding strand, the complement: PCARE is on the minus strand). VCF-style: chr2-29070831-G-A. GRCh37 (hg19) VCF-style: chr2-29293697-G-A.
Other names: short protein forms T1144I.
Identifiers: ClinVar variation 845624 (VCV000845624.10), dbSNP rs1667462111, ClinGen allele CA346474926.
Genomic context (GRCh38, chr2:29,070,831, plus strand): 5'-TTCCAGCATTCTGCTGGGTTCCCGAGAGGGCCCCCAGCCTCTGGCGGCAGCGATGGTGGG[G>A]TCAGTGGGTGGGCTGTTGAGAGTGGCGGTTTAGCTTCAAACAGAGAGGAGGTAGCTGGGC-3'
Protein context (NP_001025054.1, residues 1134-1154): KPPLSTAHPL[Thr1144Ile]PPSLPPEAGG